The following is an entry in ClinVar:

NM_000051.4(ATM):c.5596G>T (p.Val1866Phe)

Gene: ATM (ATM serine/threonine kinase; plus strand). Cytogenetic location: 11q22.3.
Variant type: single nucleotide variant.
Coding change: c.5596G>T on transcript NM_000051.4 (MANE Select); coding-DNA position 5596, G replaced by T.
Protein change: p.Val1866Phe; replaces valine 1866 with phenylalanine.
Molecular consequence: missense variant.
Genome position (GRCh38, 1-based): chr11:108,304,774, G>T. VCF-style: chr11-108304774-G-T. GRCh37 (hg19) VCF-style: chr11-108175501-G-T.
Other names: c.5596G>T, p.Val1866Phe (NM_001351834.2); short protein forms V1866F.
Identifiers: ClinVar variation 922501 (VCV000922501.6), dbSNP rs1468995507, ClinGen allele CA382546209.

ClinVar aggregate classification (germline): Uncertain significance. Review status: criteria provided, multiple submitters, no conflicts (2 of 4 stars). 2 submissions from 2 submitters: Uncertain significance (2). Last evaluated 2023-12-04.

Conditions:
Hereditary cancer-predisposing syndrome. Also called: Neoplastic Syndromes, Hereditary; Tumor predisposition; Hereditary Cancer Syndrome; Hereditary neoplastic syndrome. Identifiers: Orphanet 140162, MedGen C0027672, MeSH D009386, MONDO:0015356.

Submissions (2):

Color Diagnostics, LLC DBA Color Health
Classification: Uncertain significance for Hereditary cancer-predisposing syndrome. Last evaluated: 2023-12-04. Review status: criteria provided, single submitter. Criteria: ACMG Guidelines, 2015. Collection method: clinical testing. Allele origin: germline.
Comment: This missense variant replaces valine with phenylalanine at codon 1866 of the ATM protein. Computational prediction suggests that this variant may not impact protein structure and function (internally defined REVEL score threshold <= 0.5, PMID: 27666373). To our knowledge, functional studies have not been reported for this variant. This variant has not been reported in individuals affected with ATM-related disorders in the literature. This variant has not been identified in the general population by the Genome Aggregation Database (gnomAD). The available evidence is insufficient to determine the role of this variant in disease conclusively. Therefore, this variant is classified as a Variant of Uncertain Significance.

Ambry Genetics
Classification: Uncertain significance for Hereditary cancer-predisposing syndrome. Last evaluated: 2023-04-20. Review status: criteria provided, single submitter. Criteria: Ambry Variant Classification Scheme 2023. Collection method: clinical testing. Allele origin: germline.
Comment: The p.V1866F variant (also known as c.5596G>T), located in coding exon 36 of the ATM gene, results from a G to T substitution at nucleotide position 5596. The valine at codon 1866 is replaced by phenylalanine, an amino acid with highly similar properties. This amino acid position is not well conserved in available vertebrate species. In addition, the in silico prediction for this alteration is inconclusive. Since supporting evidence is limited at this time, the clinical significance of this alteration remains unclear.